The following is an entry in ClinVar:

NM_001080449.3(DNA2):c.1817A>T (p.Tyr606Phe)

Gene: DNA2 (DNA replication helicase/nuclease 2; minus strand). Cytogenetic location: 10q21.3.
Variant type: single nucleotide variant.
Coding change: c.1817A>T on transcript NM_001080449.3 (MANE Select); coding-DNA position 1817, A replaced by T.
Protein change: p.Tyr606Phe; replaces tyrosine 606 with phenylalanine.
Molecular consequence: missense variant. On other transcripts: non-coding transcript variant (1).
Genome position (GRCh38, 1-based): chr10:68,432,262, T>A on the plus strand (A>T on the coding strand, the complement: DNA2 is on the minus strand). VCF-style: chr10-68432262-T-A. GRCh37 (hg19) VCF-style: chr10-70192019-T-A.
Other names: short protein forms Y606F.
Identifiers: ClinVar variation 2016050 (VCV002016050.4), dbSNP rs1339331526, ClinGen allele CA376857063.

ClinVar aggregate classification (germline): Uncertain significance (1 of 4 stars; one submission).

gnomAD v4.1: 1 of 1,609,706 alleles (0.000062%); highest among the groups gnomAD compares: Admixed American, 0.0017%; no homozygotes.

Submission:

Labcorp Genetics (formerly Invitae), Labcorp
Classification: Uncertain significance. Last evaluated: 2023-02-19. Review status: criteria provided, single submitter. Criteria: Invitae Variant Classification Sherloc (09022015). Collection method: clinical testing. Allele origin: germline.
Comment: In summary, the available evidence is currently insufficient to determine the role of this variant in disease. Therefore, it has been classified as a Variant of Uncertain Significance. Advanced modeling of protein sequence and biophysical properties (such as structural, functional, and spatial information, amino acid conservation, physicochemical variation, residue mobility, and thermodynamic stability) performed at Invitae indicates that this missense variant is not expected to disrupt DNA2 protein function. This variant has not been reported in the literature in individuals affected with DNA2-related conditions. This variant is present in population databases (no rsID available, gnomAD 0.003%). This sequence change replaces tyrosine, which is neutral and polar, with phenylalanine, which is neutral and non-polar, at codon 606 of the DNA2 protein (p.Tyr606Phe).